The following is an entry in ClinVar:

ClinVar aggregate classification (germline): Uncertain significance (1 of 4 stars; one submission).

gnomAD v4.1: 38 of 1,557,836 alleles (0.0024%); highest among the groups gnomAD compares: South Asian, 0.04%; no homozygotes.

Submission:

GeneDx
Classification: Uncertain significance. Last evaluated: 2024-10-22. Review status: criteria provided, single submitter. Criteria: GeneDx Variant Classification Process June 2021. Collection method: clinical testing. Allele origin: germline. Affected: yes.
Comment: In silico analysis supports that this missense variant has a deleterious effect on protein structure/function; Has not been previously published as pathogenic or benign to our knowledge

NM_002887.4(RARS1):c.710A>G (p.His237Arg)

Gene: RARS1 (arginyl-tRNA synthetase 1; plus strand). Cytogenetic location: 5q34.
Variant type: single nucleotide variant.
Coding change: c.710A>G on transcript NM_002887.4 (MANE Select); coding-DNA position 710, A replaced by G.
Protein change: p.His237Arg; replaces histidine 237 with arginine.
Molecular consequence: missense variant.
Genome position (GRCh38, 1-based): chr5:168,497,236, A>G. VCF-style: chr5-168497236-A-G. GRCh37 (hg19) VCF-style: chr5-167924241-A-G.
Other names: short protein forms H237R.
Identifiers: ClinVar variation 3893446 (VCV003893446.1).
Genomic context (GRCh38, chr5:168,497,236, plus strand): 5'-TAACCATCTTTATTATTTAAAAAATGATTATATATTCTCTGATTGGTGTTAGGTTAAATC[A>G]TGTAGGAGACTGGGGGACCCAGTTTGGCATGCTCATCGCTCACCTGCAAGACAAATTTCC-3'
Protein context (NP_002878.2, residues 227-247): FAGYDVLRLN[His237Arg]VGDWGTQFGM